The following is an entry in ClinVar:

NM_000138.5(FBN1):c.4940A>T (p.Asp1647Val)

Gene: FBN1 (fibrillin 1; minus strand). Cytogenetic location: 15q21.1.
Variant type: single nucleotide variant.
Coding change: c.4940A>T on transcript NM_000138.5 (MANE Select); coding-DNA position 4940, A replaced by T.
Protein change: p.Asp1647Val; replaces aspartic acid 1647 with valine.
Molecular consequence: missense variant.
Genome position (GRCh38, 1-based): chr15:48,465,570, T>A on the plus strand (A>T on the coding strand, the complement: FBN1 is on the minus strand). VCF-style: chr15-48465570-T-A. GRCh37 (hg19) VCF-style: chr15-48757767-T-A.
Other names: short protein forms D1647V.
Identifiers: ClinVar variation 632810 (VCV000632810.1), dbSNP rs1566903908, ClinGen allele CA392351053.

ClinVar aggregate classification (germline): Uncertain significance (1 of 4 stars; one submission).

Submission:

Women's Health and Genetics/Laboratory Corporation of America, LabCorp
Classification: Uncertain significance. Last evaluated: 2018-06-29. Review status: criteria provided, single submitter. Criteria: LabCorp Variant Classification Summary - May 2015. Collection method: clinical testing. Allele origin: germline.
Comment: Variant summary: FBN1 c.4940A>T (p.Asp1647Val) results in a non-conservative amino acid change located in the EGF-like calcium-binding domain of the encoded protein sequence and is three nucleotides from a splice site. Four of five in-silico tools predict a damaging effect of the variant on protein function. Four of five splicing tools predict no significant impact on normal splicing. However, these predictions have yet to be confirmed by functional studies. The variant was absent in 246002 control chromosomes (gnomAD). The available data on variant occurrences in the general population are insufficient to allow any conclusion about variant significance. To our knowledge, no occurrence of c.4940A>T in individuals affected with Marfan Syndrome and no experimental evidence demonstrating its impact on protein function have been reported. No clinical diagnostic laboratories have submitted clinical-significance assessments for this variant to ClinVar after 2014. Based on the evidence outlined above, the variant was classified as uncertain significance.